The following is an entry in ClinVar:

ClinVar aggregate classification (germline): Uncertain significance (1 of 4 stars; one submission).

Allele frequency attached by ClinVar (database versions not stated): gnomAD exomes below 0.00001.
gnomAD v4.1: 1 of 1,595,286 alleles (0.000063%); highest among the groups gnomAD compares: Non-Finnish European, 0.000085%; no homozygotes.

Submission:

Labcorp Genetics (formerly Invitae), Labcorp
Classification: Uncertain significance. Last evaluated: 2022-07-27. Review status: criteria provided, single submitter. Criteria: Invitae Variant Classification Sherloc (09022015). Collection method: clinical testing. Allele origin: germline.
Comment: This sequence change replaces alanine, which is neutral and non-polar, with threonine, which is neutral and polar, at codon 2945 of the HMCN1 protein (p.Ala2945Thr). This variant is not present in population databases (gnomAD no frequency). This variant has not been reported in the literature in individuals affected with HMCN1-related conditions. Algorithms developed to predict the effect of missense changes on protein structure and function are either unavailable or do not agree on the potential impact of this missense change (SIFT: "Tolerated"; PolyPhen-2: "Probably Damaging"; Align-GVGD: "Class C0"). In summary, the available evidence is currently insufficient to determine the role of this variant in disease. Therefore, it has been classified as a Variant of Uncertain Significance.

NM_031935.3(HMCN1):c.8833G>A (p.Ala2945Thr)

Gene: HMCN1 (hemicentin 1; plus strand). Cytogenetic location: 1q31.1.
Variant type: single nucleotide variant.
Coding change: c.8833G>A on transcript NM_031935.3 (MANE Select); coding-DNA position 8833, G replaced by A.
Protein change: p.Ala2945Thr; replaces alanine 2945 with threonine.
Molecular consequence: missense variant.
Genome position (GRCh38, 1-based): chr1:186,082,910, G>A. VCF-style: chr1-186082910-G-A. GRCh37 (hg19) VCF-style: chr1-186052042-G-A.
Other names: short protein forms A2945T.
Identifiers: ClinVar variation 1949701 (VCV001949701.5), dbSNP rs2527868817, ClinGen allele CA343915971.